The following is an entry in ClinVar:

ClinVar aggregate classification (germline): Likely benign. Review status: criteria provided, multiple submitters, no conflicts (2 of 4 stars). 2 submissions from 2 submitters: Likely benign (2). Last evaluated 2024-12-03.

Conditions:
Hereditary spastic paraplegia 4. Also called: Spastic paraplegia 4, autosomal dominant; Spastic Paraplegia 4; Familial spastic paraplegia autosomal dominant 2. Identifiers: Orphanet 100985, MedGen C1866855, MONDO:0008438, OMIM 182601.

gnomAD v4.1: 3 of 1,584,768 alleles (0.00019%); highest among the groups gnomAD compares: African/African-American, 0.0027%; no homozygotes.

Submissions (2):

Labcorp Genetics (formerly Invitae), Labcorp
Classification: Likely benign for Hereditary spastic paraplegia 4. Last evaluated: 2024-12-03. Review status: criteria provided, single submitter. Criteria: Invitae Variant Classification Sherloc (09022015). Collection method: clinical testing. Allele origin: germline.

GeneDx
Classification: Likely benign. Last evaluated: 2018-02-07. Review status: criteria provided, single submitter. Criteria: GeneDx Variant Classification (06012015). Collection method: clinical testing. Allele origin: germline. Affected: yes.
Comment: This variant is considered likely benign or benign based on one or more of the following criteria: it is a conservative change, it occurs at a poorly conserved position in the protein, it is predicted to be benign by multiple in silico algorithms, and/or has population frequency not consistent with disease.

NM_014946.4(SPAST):c.871-12G>A

Gene: SPAST (spastin; plus strand). Cytogenetic location: 2p22.3.
Variant type: single nucleotide variant.
Coding change: c.871-12G>A on transcript NM_014946.4 (MANE Select); 12 bases into the intron before coding-DNA position 871, G replaced by A.
Molecular consequence: intron variant.
Genome position (GRCh38, 1-based): chr2:32,115,690, G>A. VCF-style: chr2-32115690-G-A. GRCh37 (hg19) VCF-style: chr2-32340759-G-A.
Other names: c.775-12G>A (NM_199436.2, NM_001377959.1); c.868-12G>A (NM_001363823.2); c.772-12G>A (NM_001363875.2).
Identifiers: ClinVar variation 515231 (VCV000515231.8), dbSNP rs764275621, ClinGen allele CA44735850.